The following is an entry in ClinVar:

NM_019888.3(MC3R):c.584T>C (p.Met195Thr)

Gene: MC3R (melanocortin 3 receptor; plus strand). Cytogenetic location: 20q13.2.
Variant type: single nucleotide variant.
Coding change: c.584T>C on transcript NM_019888.3 (MANE Select); coding-DNA position 584, T replaced by C.
Protein change: p.Met195Thr; replaces methionine 195 with threonine.
Molecular consequence: missense variant.
Genome position (GRCh38, 1-based): chr20:56,249,427, T>C. VCF-style: chr20-56249427-T-C. GRCh37 (hg19) VCF-style: chr20-54824483-T-C.
Other names: short protein forms M195T.
Identifiers: ClinVar variation 4982081 (VCV004982081.1).

ClinVar aggregate classification (germline): Uncertain significance (1 of 4 stars; one submission).

Conditions:
MC3R-related disorder. Also called: MC3R-related condition.

Submission:

PreventionGenetics, part of Exact Sciences
Classification: Uncertain significance for MC3R-related condition. Last evaluated: 2026-06-01. Review status: criteria provided, single submitter. Criteria: ACMG Guidelines, 2015. Collection method: clinical testing. Allele origin: germline.
Comment: The MC3R c.584T>C variant is predicted to result in the amino acid substitution p.Met195Thr. To our knowledge, this variant has not been reported in the literature. This variant is reported in 0.012% of alleles in individuals of African descent in gnomAD. At this time, the clinical significance of this variant is uncertain due to the absence of conclusive functional and genetic evidence.